The following is an entry in ClinVar:

NM_003289.4(TPM2):c.559G>A (p.Glu187Lys)

Gene: TPM2 (tropomyosin 2; minus strand). Cytogenetic location: 9p13.3.
Variant type: single nucleotide variant.
Coding change: c.559G>A on transcript NM_003289.4 (MANE Select); coding-DNA position 559, G replaced by A.
Protein change: p.Glu187Lys; replaces glutamic acid 187 with lysine.
Molecular consequence: missense variant.
Genome position (GRCh38, 1-based): chr9:35,685,273, C>T on the plus strand (G>A on the coding strand, the complement: TPM2 is on the minus strand). VCF-style: chr9-35685273-C-T. GRCh37 (hg19) VCF-style: chr9-35685270-C-T.
Other names: c.559G>A, p.Glu187Lys (NM_001301226.2, NM_001301227.2, NM_213674.1); short protein forms E187K.
Identifiers: ClinVar variation 3367960 (VCV003367960.2).

ClinVar aggregate classification (germline): Pathogenic/Likely pathogenic. Review status: criteria provided, multiple submitters, no conflicts (2 of 4 stars). 2 submissions from 2 submitters: Pathogenic (1); Likely pathogenic (1). Last evaluated 2025-11-05.

Conditions:
TPM2-related disorder. Also called: TPM2-related condition; TPM2-related disorders.

Submissions (2):

GeneDx
Classification: Pathogenic. Last evaluated: 2025-11-05. Review status: criteria provided, single submitter. Criteria: GeneDx Variant Classification Process June 2021. Collection method: clinical testing. Allele origin: germline.
Comment: Not observed at significant frequency in large population cohorts (gnomAD); Missense variants in this gene are a common cause of disease and they are underrepresented in the general population; In silico analysis supports that this missense variant has a deleterious effect on protein structure/function; Has not been previously published as pathogenic or benign to our knowledge

Blueprint Genetics
Classification: Likely pathogenic for TPM2-related disorders. Last evaluated: 2023-02-02. Review status: criteria provided, single submitter. Criteria: ACMG Guidelines, 2015. Collection method: clinical testing. Allele origin: germline. Affected: yes. Observed: 1 variant allele.